The following is an entry in ClinVar:

NM_001267550.2(TTN):c.12446A>G (p.Asn4149Ser)

Gene: TTN (titin; minus strand). Cytogenetic location: 2q31.2.
Variant type: single nucleotide variant.
Coding change: c.12446A>G on transcript NM_001267550.2 (MANE Select); coding-DNA position 12446, A replaced by G.
Protein change: p.Asn4149Ser; replaces asparagine 4149 with serine.
Molecular consequence: missense variant. On other transcripts: intron variant (1).
Genome position (GRCh38, 1-based): chr2:178,740,787, T>C on the plus strand (A>G on the coding strand, the complement: TTN is on the minus strand). VCF-style: chr2-178740787-T-C. GRCh37 (hg19) VCF-style: chr2-179605514-T-C.
Other names: c.11495A>G, p.Asn3832Ser (NM_001256850.1); c.11357A>G, p.Asn3786Ser (NM_003319.4); c.11732A>G, p.Asn3911Ser (NM_133432.3); c.11933A>G, p.Asn3978Ser (NM_133437.4); c.10361-2427A>G (NM_133378.4); short protein forms N3832S, N4149S, N3786S, N3911S, N3978S.
Identifiers: ClinVar variation 509493 (VCV000509493.1), dbSNP rs768083269, ClinGen allele CA2002710.

ClinVar aggregate classification (germline): Likely benign (1 of 4 stars; one submission).

Allele frequency attached by ClinVar (database versions not stated): gnomAD exomes below 0.00001; TOPMed below 0.00001; ExAC 0.00001.
gnomAD v4.1: 10 of 1,613,510 alleles (0.00062%); highest among the groups gnomAD compares: South Asian, 0.0077%; no homozygotes.

Submission:

GeneDx
Classification: Likely benign. Last evaluated: 2017-05-05. Review status: criteria provided, single submitter. Criteria: GeneDx Variant Classification (06012015). Collection method: clinical testing. Allele origin: germline. Affected: yes.
Comment: This variant is considered likely benign or benign based on one or more of the following criteria: it is a conservative change, it occurs at a poorly conserved position in the protein, it is predicted to be benign by multiple in silico algorithms, and/or has population frequency not consistent with disease.